The following is an entry in ClinVar:

NM_021831.6(AGBL5):c.1709C>T (p.Ala570Val)

Gene: AGBL5 (AGBL carboxypeptidase 5; plus strand). Cytogenetic location: 2p23.3.
Variant type: single nucleotide variant.
Coding change: c.1709C>T on transcript NM_021831.6 (MANE Select); coding-DNA position 1709, C replaced by T.
Protein change: p.Ala570Val; replaces alanine 570 with valine.
Molecular consequence: missense variant. On other transcripts: non-coding transcript variant (2).
Genome position (GRCh38, 1-based): chr2:27,058,437, C>T. VCF-style: chr2-27058437-C-T. GRCh37 (hg19) VCF-style: chr2-27281305-C-T.
Other names: c.1709C>T, p.Ala570Val (NM_001035507.3); short protein forms A570V.
Identifiers: ClinVar variation 1056189 (VCV001056189.9), dbSNP rs138902216, ClinGen allele CA1567948.

ClinVar aggregate classification (germline): Uncertain significance. Review status: criteria provided, multiple submitters, no conflicts (2 of 4 stars). 2 submissions from 2 submitters: Uncertain significance (2). Last evaluated 2024-08-30.

Allele frequency attached by ClinVar (database versions not stated): gnomAD 0.00001 and 0.00002; TOPMed 0.00002; gnomAD exomes 0.00003 and 0.00005; ExAC 0.00006; ESP Exome Variant Server 0.00008.
gnomAD v4.1: 48 of 1,613,674 alleles (0.003%); highest among the groups gnomAD compares: South Asian, 0.04%; no homozygotes.

Submissions (2):

Labcorp Genetics (formerly Invitae), Labcorp
Classification: Uncertain significance. Last evaluated: 2024-08-30. Review status: criteria provided, single submitter. Criteria: Invitae Variant Classification Sherloc (09022015). Collection method: clinical testing. Allele origin: germline.
Comment: This sequence change replaces alanine, which is neutral and non-polar, with valine, which is neutral and non-polar, at codon 570 of the AGBL5 protein (p.Ala570Val). This variant is present in population databases (rs138902216, gnomAD 0.04%). This variant has not been reported in the literature in individuals affected with AGBL5-related conditions. ClinVar contains an entry for this variant (Variation ID: 1056189). An algorithm developed to predict the effect of missense changes on protein structure and function (PolyPhen-2) suggests that this variant is likely to be tolerated. In summary, the available evidence is currently insufficient to determine the role of this variant in disease. Therefore, it has been classified as a Variant of Uncertain Significance.

Blueprint Genetics
Classification: Uncertain significance. Last evaluated: 2022-11-17. Review status: criteria provided, single submitter. Criteria: ACMG Guidelines, 2015. Collection method: clinical testing. Allele origin: germline.